The following is an entry in ClinVar:

NM_001347721.2(DYRK1A):c.1515C>T (p.Ser505=)

Gene: DYRK1A (dual specificity tyrosine phosphorylation regulated kinase 1A; plus strand). Cytogenetic location: 21q22.13.
Variant type: single nucleotide variant.
Coding change: c.1515C>T on transcript NM_001347721.2 (MANE Select); coding-DNA position 1515, C replaced by T.
Protein change: p.Ser505=; no amino-acid change (serine 505 retained).
Molecular consequence: synonymous variant.
Genome position (GRCh38, 1-based): chr21:37,505,585, C>T. VCF-style: chr21-37505585-C-T. GRCh37 (hg19) VCF-style: chr21-38877888-C-T.
Other names: c.1515C>T, p.Ser505= (NM_001347722.2, NM_130436.2); c.1428C>T, p.Ser476= (NM_001347723.2); c.1542C>T, p.Ser514= (NM_001396.5, NM_101395.2, NM_130438.2).
Identifiers: ClinVar variation 507979 (VCV000507979.10), dbSNP rs1555991138, ClinGen allele CA512327800.

ClinVar aggregate classification (germline): Likely benign. Review status: criteria provided, multiple submitters, no conflicts (2 of 4 stars). 2 submissions from 2 submitters: Likely benign (2). Last evaluated 2023-08-23.

Conditions:
DYRK1A-related intellectual disability syndrome (MRD7). Also called: DYRK1A Syndrome; Intellectual developmental disorder, autosomal dominant 7. Identifiers: Orphanet 464306, MedGen C5568143, MONDO:0013578, OMIM 614104.

Allele frequency attached by ClinVar (database versions not stated): gnomAD exomes below 0.00001.
gnomAD v4.1: 4 of 1,600,858 alleles (0.00025%); highest among the groups gnomAD compares: African/African-American, 0.0013%; no homozygotes.

Submissions (2):

Labcorp Genetics (formerly Invitae), Labcorp
Classification: Likely benign for DYRK1A-related intellectual disability syndrome. Last evaluated: 2023-08-23. Review status: criteria provided, single submitter. Criteria: Invitae Variant Classification Sherloc (09022015). Collection method: clinical testing. Allele origin: germline.

GeneDx
Classification: Likely benign. Last evaluated: 2017-03-10. Review status: criteria provided, single submitter. Criteria: GeneDx Variant Classification (06012015). Collection method: clinical testing. Allele origin: germline. Affected: yes.
Comment: This variant is considered likely benign or benign based on one or more of the following criteria: it is a conservative change, it occurs at a poorly conserved position in the protein, it is predicted to be benign by multiple in silico algorithms, and/or has population frequency not consistent with disease.